The following is an entry in ClinVar:

NM_000548.5(TSC2):c.2640-20_2640-19insT

Gene: TSC2 (TSC complex subunit 2; plus strand). Cytogenetic location: 16p13.3.
Variant type: Insertion.
Coding change: c.2640-20_2640-19insT on transcript NM_000548.5 (MANE Select); 20 bases into the intron before coding-DNA position 2640 through 19 bases into the intron before coding-DNA position 2640, T inserted.
Molecular consequence: intron variant.
Genome position: GRCh38 VCF-style: chr16-2076048-C-CT. GRCh37 (hg19) VCF-style: chr16-2126049-C-CT.
Other names: c.2529-20_2529-19insT (NM_001318827.2, NM_001406678.1, NM_001406670.1); c.2040-20_2040-19insT (NM_001406682.1, NM_001406684.1, NM_001406685.1 and 6 more transcripts); c.2583-20_2583-19insT (NM_001406677.1); c.2493-20_2493-19insT (NM_001406675.1, NM_001406676.1, NM_001318829.2 and 1 more transcripts); c.2673-20_2673-19insT (NM_001318832.2); c.2628-20_2628-19insT (NM_001406671.1, NM_001406673.1); c.2178-20_2178-19insT (NM_001406681.1); c.1296-20_1296-19insT (NM_001406693.1, NM_001406689.1, NM_001406690.1 and 6 more transcripts); and 3 more.
Identifiers: ClinVar variation 3019217 (VCV003019217.4), dbSNP rs2543902337, ClinGen allele CA2631130302.

ClinVar aggregate classification (germline): Likely benign. Review status: criteria provided, multiple submitters, no conflicts (2 of 4 stars). 2 submissions from 2 submitters: Likely benign (2). Last evaluated 2025-11-17.

Conditions:
Tuberous sclerosis 2 (TSC2). Identifiers: Orphanet 805, MedGen C1860707, MONDO:0013199, OMIM 613254.

Allele frequency attached by ClinVar (database versions not stated): gnomAD exomes below 0.00001.

Submissions (2):

Labcorp Genetics (formerly Invitae), Labcorp
Classification: Likely benign for Tuberous sclerosis 2. Last evaluated: 2025-11-17. Review status: criteria provided, single submitter. Criteria: Invitae Variant Classification Sherloc (09022015). Collection method: clinical testing. Allele origin: germline.

Myriad Genetics, Inc.
Classification: Likely benign for Tuberous sclerosis 2. Last evaluated: 2025-05-20. Review status: criteria provided, single submitter. Criteria: Myriad Autosomal Dominant, Autosomal Recessive and X-Linked Classification Criteria (2023). Collection method: clinical testing. Allele origin: unknown.
Comment: This variant is considered likely benign. This variant is intronic and is not expected to impact mRNA splicing.